The following is an entry in ClinVar:

ClinVar aggregate classification (germline): Uncertain significance. Review status: criteria provided, multiple submitters, no conflicts (2 of 4 stars). 2 submissions from 2 submitters: Uncertain significance (2). Last evaluated 2024-09-24.

Conditions:
Hereditary cancer-predisposing syndrome. Also called: Neoplastic Syndromes, Hereditary; Tumor predisposition; Hereditary Cancer Syndrome; Hereditary neoplastic syndrome. Identifiers: Orphanet 140162, MedGen C0027672, MeSH D009386, MONDO:0015356.
Ataxia-telangiectasia syndrome (AT). Also called: Ataxia telangiectasia (A-T); ATAXIA-TELANGIECTASIA, COMPLEMENTATION GROUP A; ATAXIA-TELANGIECTASIA, FRESNO VARIANT; Ataxia-telangiectasia; Ataxia-telangiectasia, complementation group E; LOUIS-BAR SYNDROME. Identifiers: Orphanet 100, MedGen C0004135, MONDO:0008840, OMIM 208900.

Allele frequency attached by ClinVar (database versions not stated): TOPMed below 0.00001; gnomAD 0.00001.
gnomAD v4.1: 1 of 1,613,958 alleles (0.000062%); highest among the groups gnomAD compares: African/African-American, 0.0013%; no homozygotes.

Submissions (2):

Ambry Genetics
Classification: Uncertain significance for Hereditary cancer-predisposing syndrome. Last evaluated: 2024-09-24. Review status: criteria provided, single submitter. Criteria: Ambry Variant Classification Scheme 2023. Collection method: clinical testing. Allele origin: germline.
Comment: The p.V2915A variant (also known as c.8744T>C), located in coding exon 59 of the ATM gene, results from a T to C substitution at nucleotide position 8744. The valine at codon 2915 is replaced by alanine, an amino acid with similar properties. This amino acid position is conserved. In addition, this alteration is predicted to be deleterious by in silico analysis. Based on the available evidence, the clinical significance of this variant remains unclear.

Labcorp Genetics (formerly Invitae), Labcorp
Classification: Uncertain significance for Ataxia-telangiectasia syndrome. Last evaluated: 2022-05-27. Review status: criteria provided, single submitter. Criteria: Invitae Variant Classification Sherloc (09022015). Collection method: clinical testing. Allele origin: germline.
Comment: In summary, the available evidence is currently insufficient to determine the role of this variant in disease. Therefore, it has been classified as a Variant of Uncertain Significance. Advanced modeling of protein sequence and biophysical properties (such as structural, functional, and spatial information, amino acid conservation, physicochemical variation, residue mobility, and thermodynamic stability) performed at Invitae indicates that this missense variant is expected to disrupt ATM protein function. ClinVar contains an entry for this variant (Variation ID: 1023430). This variant has not been reported in the literature in individuals affected with ATM-related conditions. This variant is not present in population databases (gnomAD no frequency). This sequence change replaces valine, which is neutral and non-polar, with alanine, which is neutral and non-polar, at codon 2915 of the ATM protein (p.Val2915Ala).

NM_000051.4(ATM):c.8744T>C (p.Val2915Ala)

Genes: ATM (ATM serine/threonine kinase; plus strand), C11orf65 (chromosome 11 open reading frame 65; minus strand). Cytogenetic location: 11q22.3.
Variant type: single nucleotide variant.
Coding change: c.8744T>C on transcript NM_000051.4 (MANE Select); coding-DNA position 8744, T replaced by C.
Protein change: p.Val2915Ala; replaces valine 2915 with alanine.
Molecular consequence: missense variant. On other transcripts: intron variant (2).
Genome position (GRCh38, 1-based): chr11:108,353,838, T>C. VCF-style: chr11-108353838-T-C. GRCh37 (hg19) VCF-style: chr11-108224565-T-C.
Other names: c.8744T>C, p.Val2915Ala (NM_001351834.2); c.640+32082A>G (NM_001330368.2); c.695-18546A>G (NM_001351110.2); short protein forms V2915A.
Identifiers: ClinVar variation 1023430 (VCV001023430.10), dbSNP rs2089511171, ClinGen allele CA382524010.